The following is an entry in ClinVar:

ClinVar aggregate classification (germline): Uncertain significance. Review status: criteria provided, multiple submitters, no conflicts (2 of 4 stars). 2 submissions from 2 submitters: Uncertain significance (2). Last evaluated 2026-03-26.

Conditions:
Familial adenomatous polyposis 1 (FAP1). Also called: FAMILIAL ADENOMATOUS POLYPOSIS 1, ATTENUATED; POLYPOSIS, ADENOMATOUS INTESTINAL. Identifiers: MedGen C2713442, MONDO:0021056, OMIM 175100. Disease mechanism: loss of function.
Hereditary cancer-predisposing syndrome. Also called: Hereditary neoplastic syndrome; Neoplastic Syndromes, Hereditary; Tumor predisposition; Hereditary Cancer Syndrome. Identifiers: Orphanet 140162, MedGen C0027672, MeSH D009386, MONDO:0015356.

Submissions (2):

Ambry Genetics
Classification: Uncertain significance for Hereditary cancer-predisposing syndrome. Last evaluated: 2026-03-26. Review status: criteria provided, single submitter. Criteria: Ambry Variant Classification Scheme 2023. Collection method: clinical testing. Allele origin: germline.
Comment: The p.K1717E variant (also known as c.5149A>G), located in coding exon 15 of the APC gene, results from an A to G substitution at nucleotide position 5149. The lysine at codon 1717 is replaced by glutamic acid, an amino acid with similar properties. This amino acid position is conserved. In addition, in silico predictors for this gene do not accurately predict pathogenicity. Based on the available evidence, the clinical significance of this variant remains unclear.

Labcorp Genetics (formerly Invitae), Labcorp
Classification: Uncertain significance for Familial adenomatous polyposis 1. Last evaluated: 2025-11-14. Review status: criteria provided, single submitter. Criteria: Invitae Variant Classification Sherloc (09022015). Collection method: clinical testing. Allele origin: germline.
Comment: This sequence change replaces lysine, which is basic and polar, with glutamic acid, which is acidic and polar, at codon 1717 of the APC protein (p.Lys1717Glu). This variant is not present in population databases (gnomAD no frequency). This variant has not been reported in the literature in individuals affected with APC-related conditions. Invitae Evidence Modeling of protein sequence and biophysical properties (such as structural, functional, and spatial information, amino acid conservation, physicochemical variation, residue mobility, and thermodynamic stability) indicates that this missense variant is not expected to disrupt APC protein function with a negative predictive value of 95%. In summary, the available evidence is currently insufficient to determine the role of this variant in disease. Therefore, it has been classified as a Variant of Uncertain Significance.

NM_000038.6(APC):c.5149A>G (p.Lys1717Glu)

Gene: APC (APC regulator of Wnt signaling pathway; plus strand). Cytogenetic location: 5q22.2.
Variant type: single nucleotide variant.
Coding change: c.5149A>G on transcript NM_000038.6 (MANE Select); coding-DNA position 5149, A replaced by G.
Protein change: p.Lys1717Glu; replaces lysine 1717 with glutamic acid.
Molecular consequence: missense variant. On other transcripts: non-coding transcript variant (2).
Genome position (GRCh38, 1-based): chr5:112,840,743, A>G. VCF-style: chr5-112840743-A-G. GRCh37 (hg19) VCF-style: chr5-112176440-A-G.
Other names: c.5149A>G, p.Lys1717Glu (NM_001127510.3, NM_001354895.2, NM_001407450.1); c.5095A>G, p.Lys1699Glu (NM_001127511.3); c.5203A>G, p.Lys1735Glu (NM_001354896.2, NM_001407447.1, NM_001407448.1 and 1 more transcripts); c.5179A>G, p.Lys1727Glu (NM_001354897.2); c.5074A>G, p.Lys1692Glu (NM_001354898.2); c.5065A>G, p.Lys1689Glu (NM_001354899.2); c.5026A>G, p.Lys1676Glu (NM_001354900.2); c.4972A>G, p.Lys1658Glu (NM_001354901.2, NM_001407453.1); and 12 more; short protein forms K1557E, K1616E, K1658E, K1689E, K1699E, K1707E, K1727E, K1626E.
Identifiers: ClinVar variation 4779494 (VCV004779494.2).